The following is an entry in ClinVar:

ClinVar aggregate classification (germline): Uncertain significance (1 of 4 stars; one submission).

Conditions:
Wilms tumor 1 (WT1). Also called: Wilms tumor, somatic. Identifiers: Orphanet 654, MedGen CN033288, MONDO:0008679, OMIM 194070.

Submission:

Labcorp Genetics (formerly Invitae), Labcorp
Classification: Uncertain significance for Wilms tumor 1. Last evaluated: 2023-07-25. Review status: criteria provided, single submitter. Criteria: Invitae Variant Classification Sherloc (09022015). Collection method: clinical testing. Allele origin: germline.
Comment: ClinVar contains an entry for this variant (Variation ID: 1355186). Advanced modeling of protein sequence and biophysical properties (such as structural, functional, and spatial information, amino acid conservation, physicochemical variation, residue mobility, and thermodynamic stability) has been performed at Invitae for this missense variant, however the output from this modeling did not meet the statistical confidence thresholds required to predict the impact of this variant on GPC3 protein function. In summary, the available evidence is currently insufficient to determine the role of this variant in disease. Therefore, it has been classified as a Variant of Uncertain Significance. This variant has not been reported in the literature in individuals affected with GPC3-related conditions. This sequence change replaces glutamic acid, which is acidic and polar, with glutamine, which is neutral and polar, at codon 298 of the GPC3 protein (p.Glu298Gln). This variant is not present in population databases (gnomAD no frequency).

NM_004484.4(GPC3):c.892G>C (p.Glu298Gln)

Gene: GPC3 (glypican 3; minus strand). Cytogenetic location: Xq26.2.
Variant type: single nucleotide variant.
Coding change: c.892G>C on transcript NM_004484.4 (MANE Select); coding-DNA position 892, G replaced by C.
Protein change: p.Glu298Gln; replaces glutamic acid 298 with glutamine.
Molecular consequence: missense variant.
Genome position (GRCh38, 1-based): chrX:133,753,622, C>G on the plus strand (G>C on the coding strand, the complement: GPC3 is on the minus strand). VCF-style: chrX-133753622-C-G. GRCh37 (hg19) VCF-style: chrX-132887649-C-G.
Other names: c.892G>C, p.Glu298Gln (NM_001164617.2); c.844G>C, p.Glu282Gln (NM_001164618.2); c.730G>C, p.Glu244Gln (NM_001164619.2); short protein forms E298Q, E282Q, E244Q.
Identifiers: ClinVar variation 1355186 (VCV001355186.6), dbSNP rs2124479949, ClinGen allele CA414705369.